The following is an entry in ClinVar:

NM_018089.3(ANKZF1):c.932G>A (p.Gly311Glu)

Gene: ANKZF1 (ankyrin repeat and zinc finger peptidyl tRNA hydrolase 1; plus strand). Cytogenetic location: 2q35.
Variant type: single nucleotide variant.
Coding change: c.932G>A on transcript NM_018089.3 (MANE Select); coding-DNA position 932, G replaced by A.
Protein change: p.Gly311Glu; replaces glycine 311 with glutamic acid.
Molecular consequence: missense variant.
Genome position (GRCh38, 1-based): chr2:219,233,827, G>A. VCF-style: chr2-219233827-G-A. GRCh37 (hg19) VCF-style: chr2-220098549-G-A.
Other names: c.932G>A, p.Gly311Glu (NM_001042410.2); c.302G>A, p.Gly101Glu (NM_001282792.2); short protein forms G311E, G101E.
Identifiers: ClinVar variation 4710117 (VCV004710117.1).

ClinVar aggregate classification (germline): Uncertain significance (1 of 4 stars; one submission).

gnomAD v4.1: 9 of 1,614,126 alleles (0.00056%); highest among the groups gnomAD compares: South Asian, 0.0099%; no homozygotes.

Submission:

Labcorp Genetics (formerly Invitae), Labcorp
Classification: Uncertain significance. Last evaluated: 2025-10-18. Review status: criteria provided, single submitter. Criteria: Invitae Variant Classification Sherloc (09022015). Collection method: clinical testing. Allele origin: germline.
Comment: This sequence change replaces glycine, which is neutral and non-polar, with glutamic acid, which is acidic and polar, at codon 311 of the ANKZF1 protein (p.Gly311Glu). This variant is present in population databases (no rsID available, gnomAD 0.003%). This variant has not been reported in the literature in individuals affected with ANKZF1-related conditions. An algorithm developed to predict the effect of missense changes on protein structure and function outputs the following: PolyPhen-2: "Benign". The glutamic acid amino acid residue is found in multiple mammalian species, which suggests that this missense change does not adversely affect protein function. In summary, the available evidence is currently insufficient to determine the role of this variant in disease. Therefore, it has been classified as a Variant of Uncertain Significance.